The following is an entry in ClinVar:

NM_006915.3(RP2):c.428T>C (p.Ile143Thr)

Gene: RP2 (RP2 activator of ARL3 GTPase; plus strand). Cytogenetic location: Xp11.3.
Variant type: single nucleotide variant.
Coding change: c.428T>C on transcript NM_006915.3 (MANE Select); coding-DNA position 428, T replaced by C.
Protein change: p.Ile143Thr; replaces isoleucine 143 with threonine.
Molecular consequence: missense variant.
Genome position (GRCh38, 1-based): chrX:46,853,801, T>C. VCF-style: chrX-46853801-T-C. GRCh37 (hg19) VCF-style: chrX-46713236-T-C.
Other names: short protein forms I143T.
Identifiers: ClinVar variation 4535491 (VCV004535491.3).

ClinVar aggregate classification (germline): Uncertain significance. Review status: criteria provided, multiple submitters, no conflicts (2 of 4 stars). 2 submissions from 2 submitters: Uncertain significance (2). Last evaluated 2025-09-16.

Conditions:
Retinitis pigmentosa 2 (RP2). Also called: Retinitis pigmentosa 2, X linked. Identifiers: Orphanet 791, MedGen C2681923, MONDO:0010723, OMIM 312600.

Submissions (2):

Women's Health and Genetics/Laboratory Corporation of America, LabCorp
Classification: Uncertain significance. Last evaluated: 2025-09-16. Review status: criteria provided, single submitter. Criteria: LabCorp Variant Classification Summary - May 2015. Collection method: clinical testing. Allele origin: germline.
Comment: Variant summary: RP2 c.428T>C (p.Ile143Thr) results in a non-conservative amino acid change in the encoded protein sequence. Algorithms developed to predict the effect of missense changes on protein structure and function all suggest that this variant is likely to be disruptive. The variant allele was found at a frequency of 5.5e-06 in 183424 control chromosomes. The available data on variant occurrences in the general population are insufficient to allow any conclusion about variant significance. c.428T>C has been observed in a hemizygous individual affected with Retinitis Pigmentosa, X-Linked (Xu_2014). These data do not allow any conclusion about variant significance. To our knowledge, no experimental evidence demonstrating an impact on protein function has been reported. The following publication have been ascertained in the context of this evaluation (PMID: 24938718). No submitters have cited clinical-significance assessments for this variant to ClinVar. Based on the evidence outlined above, the variant was classified as uncertain significance.

Juno Genomics, Hangzhou Juno Genomics, Inc
Classification: Uncertain significance for Retinitis pigmentosa 2. Review status: criteria provided, single submitter. Criteria: ACMG Guidelines, 2015. Collection method: clinical testing. Allele origin: germline.
Comment: Absent from controls (or at extremely low frequency if recessive) in Genome Aggregation Database.;Multiple lines of computational evidence support a deleterious effect on the gene or gene product.

Literature cited by the submitters: PubMed 24938718 (cited by Women's Health and Genetics/Laboratory Corporation of America, LabCorp).